The following is an entry in ClinVar:

NM_004285.4(H6PD):c.1960A>C (p.Met654Leu)

Gene: H6PD (hexose-6-phosphate dehydrogenase/glucose 1-dehydrogenase; plus strand). Cytogenetic location: 1p36.22.
Variant type: single nucleotide variant.
Coding change: c.1960A>C on transcript NM_004285.4 (MANE Select); coding-DNA position 1960, A replaced by C.
Protein change: p.Met654Leu; replaces methionine 654 with leucine.
Molecular consequence: missense variant.
Genome position (GRCh38, 1-based): chr1:9,264,453, A>C. VCF-style: chr1-9264453-A-C. GRCh37 (hg19) VCF-style: chr1-9324512-A-C.
Other names: c.1993A>C, p.Met665Leu (NM_001282587.2); short protein forms M654L, M665L.
Identifiers: ClinVar variation 1995611 (VCV001995611.4), dbSNP rs2521993729, ClinGen allele CA338194316.
Genomic context (GRCh38, chr1:9,264,453, plus strand): 5'-CAGGGCCTGCAGGCCCACCTGCTGCAGCACGTCCGGATCCCCTACTACAACATCCACCCC[A>C]TGCCTGTGCACCTGCAGCAGCGGCTCTGCGCCGAGGAGGACCAGGGCGCCCAGATCTATG-3'
Protein context (NP_004276.2, residues 644-664): VRIPYYNIHP[Met654Leu]PVHLQQRLCA

ClinVar aggregate classification (germline): Uncertain significance (1 of 4 stars; one submission).

Submission:

Labcorp Genetics (formerly Invitae), Labcorp
Classification: Uncertain significance. Last evaluated: 2022-05-17. Review status: criteria provided, single submitter. Criteria: Invitae Variant Classification Sherloc (09022015). Collection method: clinical testing. Allele origin: germline.
Comment: This sequence change replaces methionine, which is neutral and non-polar, with leucine, which is neutral and non-polar, at codon 654 of the H6PD protein (p.Met654Leu). This variant is not present in population databases (gnomAD no frequency). This variant has not been reported in the literature in individuals affected with H6PD-related conditions. Algorithms developed to predict the effect of missense changes on protein structure and function are either unavailable or do not agree on the potential impact of this missense change (SIFT: "Deleterious"; PolyPhen-2: "Possibly Damaging"; Align-GVGD: "Class C0"). In summary, the available evidence is currently insufficient to determine the role of this variant in disease. Therefore, it has been classified as a Variant of Uncertain Significance.